The following is an entry in ClinVar:

NM_001457.4(FLNB):c.7041C>A (p.Phe2347Leu)

Genes: FLNB (filamin B; plus strand), FLNB-AS1 (FLNB antisense RNA 1; minus strand). Cytogenetic location: 3p14.3.
Variant type: single nucleotide variant.
Coding change: c.7041C>A on transcript NM_001457.4 (MANE Select); coding-DNA position 7041, C replaced by A.
Protein change: p.Phe2347Leu; replaces phenylalanine 2347 with leucine.
Molecular consequence: missense variant. On other transcripts: non-coding transcript variant (1).
Genome position (GRCh38, 1-based): chr3:58,163,173, C>A. VCF-style: chr3-58163173-C-A. GRCh37 (hg19) VCF-style: chr3-58148900-C-A.
Other names: c.7134C>A, p.Phe2378Leu (NM_001164317.2); c.7008C>A, p.Phe2336Leu (NM_001164318.2); c.6969C>A, p.Phe2323Leu (NM_001164319.2); short protein forms F2347L, F2336L, F2378L, F2323L.
Identifiers: ClinVar variation 346361 (VCV000346361.13), dbSNP rs139325959, ClinGen allele CA2469595.
Genomic context (GRCh38, chr3:58,163,173, plus strand): 5'-ATTTGCTTGATTTCACCCTGTGCCTTTGCTCATTCTCCTAGATAAGTATGCTGTTCGCTT[C>A]ATCCCTCATGAGAATGGTGTCCACACCATCGATGTCAAGTTCAATGGGAGCCACGTGGTT-3'
Protein context (NP_001448.2, residues 2337-2357): ELEPDKYAVR[Phe2347Leu]IPHENGVHTI

ClinVar aggregate classification (germline): Conflicting classifications of pathogenicity. Review status: criteria provided, conflicting classifications (1 of 4 stars). 3 submissions from 3 submitters: Uncertain significance (2); Likely benign (1). Last evaluated 2026-02-19.

Conditions:
FLNB-Related Spectrum Disorders.

Allele frequency attached by ClinVar (database versions not stated): TOPMed 0.00026; gnomAD 0.00031 and 0.00037; gnomAD exomes 0.00052 and 0.00049; 1000 Genomes Project 0.00040; ESP Exome Variant Server 0.00038; 1000 Genomes Project 30x 0.00031; ExAC 0.00060.
gnomAD v4.1: 768 of 1,614,216 alleles (0.048%); highest among the groups gnomAD compares: South Asian, 0.06%; no homozygotes.

Submissions (3):

GeneDx
Classification: Uncertain significance. Last evaluated: 2026-02-19. Review status: criteria provided, single submitter. Criteria: GeneDx Variant Classification Process June 2021. Collection method: clinical testing. Allele origin: germline.
Comment: Observed in the heterozygous state in a patient with club feet and flexion deformity of the elbows, knees, and wrists (PMID: 38374194); In silico analysis supports that this missense variant has a deleterious effect on protein structure/function; This variant is associated with the following publications: (PMID: 38374194)

Labcorp Genetics (formerly Invitae), Labcorp
Classification: Likely benign. Last evaluated: 2026-02-01. Review status: criteria provided, single submitter. Criteria: Invitae Variant Classification Sherloc (09022015). Collection method: clinical testing. Allele origin: germline.

Illumina Laboratory Services, Illumina
Classification: Uncertain significance for FLNB-Related Spectrum Disorders. Last evaluated: 2018-01-13. Review status: criteria provided, single submitter. Criteria: ICSL Variant Classification Criteria 13 December 2019. Collection method: clinical testing. Allele origin: germline.